The following is an entry in ClinVar:

NM_000489.6(ATRX):c.2220G>C (p.Glu740Asp)

Gene: ATRX (ATRX chromatin remodeler; minus strand). Cytogenetic location: Xq21.1.
Variant type: single nucleotide variant.
Coding change: c.2220G>C on transcript NM_000489.6 (MANE Select); coding-DNA position 2220, G replaced by C.
Protein change: p.Glu740Asp; replaces glutamic acid 740 with aspartic acid.
Molecular consequence: missense variant.
Genome position (GRCh38, 1-based): chrX:77,683,036, C>G on the plus strand (G>C on the coding strand, the complement: ATRX is on the minus strand). VCF-style: chrX-77683036-C-G. GRCh37 (hg19) VCF-style: chrX-76938528-C-G.
Other names: c.2106G>C, p.Glu702Asp (NM_138270.5); short protein forms E702D, E740D.
Identifiers: ClinVar variation 3702041 (VCV003702041.2).

ClinVar aggregate classification (germline): Uncertain significance (1 of 4 stars; one submission).

Conditions:
Alpha thalassemia-X-linked intellectual disability syndrome (ATRX). Also called: ALPHA-THALASSEMIA/MENTAL RETARDATION SYNDROME, X-LINKED; ATR, NONDELETION TYPE; ATR-X syndrome; Alpha thalassemia mental retardation syndrome, nondeletion type, X-linked; XLMR hypotonic face syndrome; X-linked alpha-thalassemia-mental retardation syndrome. Identifiers: Orphanet 847, MedGen C1845055, MONDO:0010519, OMIM 301040.

gnomAD v4.1: 5 of 1,208,589 alleles (0.00041%); highest among the groups gnomAD compares: Non-Finnish European, 0.00056%; no homozygotes.

Submission:

Labcorp Genetics (formerly Invitae), Labcorp
Classification: Uncertain significance for Alpha thalassemia-X-linked intellectual disability syndrome. Last evaluated: 2025-09-14. Review status: criteria provided, single submitter. Criteria: Invitae Variant Classification Sherloc (09022015). Collection method: clinical testing. Allele origin: germline.
Comment: This sequence change replaces glutamic acid, which is acidic and polar, with aspartic acid, which is acidic and polar, at codon 740 of the ATRX protein (p.Glu740Asp). This variant is not present in population databases (gnomAD no frequency). This variant has not been reported in the literature in individuals affected with ATRX-related conditions. ClinVar contains an entry for this variant (Variation ID: 3702041). Invitae Evidence Modeling of protein sequence and biophysical properties (such as structural, functional, and spatial information, amino acid conservation, physicochemical variation, residue mobility, and thermodynamic stability) indicates that this missense variant is not expected to disrupt ATRX protein function with a negative predictive value of 95%. In summary, the available evidence is currently insufficient to determine the role of this variant in disease. Therefore, it has been classified as a Variant of Uncertain Significance.